The following is an entry in ClinVar:

ClinVar aggregate classification (germline): Uncertain significance (1 of 4 stars; one submission).

Conditions:
Adams-Oliver syndrome 4 (AOS4). Identifiers: Orphanet 974, MedGen C3809092, MONDO:0014124, OMIM 615297.

Allele frequency attached by ClinVar (database versions not stated): gnomAD exomes 0.00001; gnomAD 0.00001; ExAC 0.00002.
gnomAD v4.1: 14 of 1,612,588 alleles (0.00087%); highest among the groups gnomAD compares: South Asian, 0.015%; no homozygotes.

Submission:

Labcorp Genetics (formerly Invitae), Labcorp
Classification: Uncertain significance for Adams-Oliver syndrome 4. Last evaluated: 2026-01-19. Review status: criteria provided, single submitter. Criteria: Invitae Variant Classification Sherloc (09022015). Collection method: clinical testing. Allele origin: germline.
Comment: This sequence change replaces glutamine, which is neutral and polar, with arginine, which is basic and polar, at codon 387 of the EOGT protein (p.Gln387Arg). This variant is present in population databases (rs771925127, gnomAD 0.01%). This variant has not been reported in the literature in individuals affected with EOGT-related conditions. ClinVar contains an entry for this variant (Variation ID: 2132879). Invitae Evidence Modeling of protein sequence and biophysical properties (such as structural, functional, and spatial information, amino acid conservation, physicochemical variation, residue mobility, and thermodynamic stability) indicates that this missense variant is not expected to disrupt EOGT protein function with a negative predictive value of 80%. In summary, the available evidence is currently insufficient to determine the role of this variant in disease. Therefore, it has been classified as a Variant of Uncertain Significance.

NM_001278689.2(EOGT):c.1412A>G (p.Gln471Arg)

Gene: EOGT (EGF domain specific O-linked N-acetylglucosamine transferase; minus strand). Cytogenetic location: 3p14.1.
Variant type: single nucleotide variant.
Coding change: c.1412A>G on transcript NM_001278689.2 (MANE Select); coding-DNA position 1412, A replaced by G.
Protein change: p.Gln471Arg; replaces glutamine 471 with arginine.
Molecular consequence: missense variant. On other transcripts: non-coding transcript variant (1).
Genome position (GRCh38, 1-based): chr3:68,978,358, T>C on the plus strand (A>G on the coding strand, the complement: EOGT is on the minus strand). VCF-style: chr3-68978358-T-C. GRCh37 (hg19) VCF-style: chr3-69027509-T-C.
Other names: c.1160A>G, p.Gln387Arg (NM_173654.3); short protein forms Q471R, Q387R.
Identifiers: ClinVar variation 2132879 (VCV002132879.4), dbSNP rs771925127, ClinGen allele CA2486602.